The following is an entry in ClinVar:

NM_004186.5(SEMA3F):c.2172G>A (p.Thr724=)

Gene: SEMA3F (semaphorin 3F; plus strand). Cytogenetic location: 3p21.31.
Variant type: single nucleotide variant.
Coding change: c.2172G>A on transcript NM_004186.5 (MANE Select); coding-DNA position 2172, G replaced by A.
Protein change: p.Thr724=; no amino-acid change (threonine 724 retained).
Molecular consequence: synonymous variant.
Genome position (GRCh38, 1-based): chr3:50,187,929, G>A. VCF-style: chr3-50187929-G-A. GRCh37 (hg19) VCF-style: chr3-50225362-G-A.
Other names: c.1875G>A, p.Thr625= (NM_001318798.2); c.2079G>A, p.Thr693= (NM_001318800.2).
Identifiers: ClinVar variation 4984354 (VCV004984354.1).

ClinVar aggregate classification (germline): Likely benign (1 of 4 stars; one submission).

Conditions:
SEMA3F-related disorder. Also called: SEMA3F-related condition.

Submission:

PreventionGenetics, part of Exact Sciences
Classification: Likely benign for SEMA3F-related condition. Last evaluated: 2024-11-02. Review status: criteria provided, single submitter. Criteria: ACMG Guidelines, 2015. Collection method: clinical testing. Allele origin: germline.
Comment: This variant is classified as likely benign based on ACMG/AMP sequence variant interpretation guidelines (Richards et al. 2015 PMID: 25741868, with internal and published modifications).